The following is an entry in ClinVar:

ClinVar aggregate classification (germline): Benign/Likely benign. Review status: criteria provided, multiple submitters, no conflicts (2 of 4 stars). 2 submissions from 2 submitters: Benign (1); Likely benign (1). Last evaluated 2025-05-25.

Conditions:
Lynch syndrome 5 (LYNCH5). Also called: Colorectal cancer, hereditary nonpolyposis, type 5; Hereditary non-polyposis colorectal cancer, type 5. Identifiers: Orphanet 144, MedGen C1833477, MONDO:0013710, OMIM 614350. Disease mechanism: loss of function.
Hereditary cancer-predisposing syndrome. Also called: Hereditary Cancer Syndrome; Hereditary neoplastic syndrome; Neoplastic Syndromes, Hereditary; Tumor predisposition. Identifiers: Orphanet 140162, MedGen C0027672, MeSH D009386, MONDO:0015356.

Submissions (2):

Ambry Genetics
Classification: Likely benign for Hereditary cancer-predisposing syndrome. Last evaluated: 2025-05-25. Review status: criteria provided, single submitter. Criteria: Ambry Variant Classification Scheme 2023. Collection method: clinical testing. Allele origin: germline.

Myriad Genetics, Inc.
Classification: Benign for Lynch syndrome 5. Last evaluated: 2024-12-26. Review status: criteria provided, single submitter. Criteria: Myriad Autosomal Dominant, Autosomal Recessive and X-Linked Classification Criteria (2023). Collection method: clinical testing. Allele origin: unknown.
Comment: This variant is considered benign. This variant is a silent/synonymous amino acid change and it is not expected to impact splicing.

NM_000179.3(MSH6):c.1419G>A (p.Leu473=)

Gene: MSH6 (mutS homolog 6; plus strand). Cytogenetic location: 2p16.3.
Variant type: single nucleotide variant.
Coding change: c.1419G>A on transcript NM_000179.3 (MANE Select); coding-DNA position 1419, G replaced by A.
Protein change: p.Leu473=; no amino-acid change (leucine 473 retained).
Molecular consequence: synonymous variant. On other transcripts: non-coding transcript variant (4), intron variant (1).
Genome position (GRCh38, 1-based): chr2:47,799,402, G>A. VCF-style: chr2-47799402-G-A. GRCh37 (hg19) VCF-style: chr2-48026541-G-A.
Other names: c.1029G>A, p.Leu343= (NM_001281492.2); c.513G>A, p.Leu171= (NM_001281493.2, NM_001281494.2, NM_001406811.1 and 6 more transcripts); c.1515G>A, p.Leu505= (NM_001406795.1, NM_001406802.1); c.1419G>A, p.Leu473= (NM_001406796.1, NM_001406798.1, NM_001406800.1 and 4 more transcripts); c.1122G>A, p.Leu374= (NM_001406797.1, NM_001406801.1, NM_001406805.1 and 10 more transcripts); c.894G>A, p.Leu298= (NM_001406799.1, NM_001406806.1, NM_001406807.1); c.1341G>A, p.Leu447= (NM_001406804.1); c.1425G>A, p.Leu475= (NM_001406813.1); and 2 more.
Identifiers: ClinVar variation 3903788 (VCV003903788.2).